The following is an entry in ClinVar:

NM_002693.3(POLG):c.418C>T (p.Arg140Cys)

Genes: POLG (DNA polymerase gamma, catalytic subunit; minus strand), POLGARF (POLG alternative reading frame; minus strand). Cytogenetic location: 15q26.1.
Variant type: single nucleotide variant.
Coding change: c.418C>T on transcript NM_002693.3 (MANE Select); coding-DNA position 418, C replaced by T.
Protein change: p.Arg140Cys; replaces arginine 140 with cysteine.
Molecular consequence: missense variant.
Genome position (GRCh38, 1-based): chr15:89,333,337, G>A on the plus strand (C>T on the coding strand, the complement: POLG is on the minus strand). VCF-style: chr15-89333337-G-A. GRCh37 (hg19) VCF-style: chr15-89876568-G-A.
Other names: p.R140C:CGC>TGC; c.418C>T, p.Arg140Cys (NM_001126131.2); short protein forms R140C.
Identifiers: ClinVar variation 206621 (VCV000206621.17), dbSNP rs761248036, ClinGen allele CA316881.
Genomic context (GRCh38, chr15:89,333,337, plus strand): 5'-CCTGCAACAGCAAGTTGGCCGCCTCCAGGTAGGGCAGGCTCTGCTTCTGGGCCAGGAGGC[G>A]GAAGTGCTGGTCCAGGTTGTCCCCGTAGAGGGGCGGCAGGCGCAGCTCCACGTCGGGCAA-3'
Protein context (NP_002684.1, residues 130-150): LYGDNLDQHF[Arg140Cys]LLAQKQSLPY

ClinVar aggregate classification (germline): Uncertain significance. Review status: criteria provided, multiple submitters, no conflicts (2 of 4 stars). 6 submissions from 6 submitters: Uncertain significance (6). Last evaluated 2024-10-28.

Conditions:
POLG-related disorder. Also called: POLG-related condition; POLG-Related Disorders; POLG-Related Spectrum Disorders. Identifiers: MedGen C4763519.
Inborn genetic diseases. Identifiers: MedGen C0950123, MeSH D030342.
Progressive sclerosing poliodystrophy (MTDPS4A). Also called: Mitochondrial DNA depletion syndrome 4A (Alpers type); Alpers Syndrome; NEURONAL DEGENERATION OF CHILDHOOD WITH LIVER DISEASE, PROGRESSIVE; ALPERS PROGRESSIVE INFANTILE POLIODYSTROPHY; ALPERS DIFFUSE DEGENERATION OF CEREBRAL GRAY MATTER WITH HEPATIC CIRRHOSIS; Alpers-Huttenlocher Syndrome. Identifiers: Orphanet 726, MedGen C0205710, MONDO:0008758, OMIM 203700.

Allele frequency attached by ClinVar (database versions not stated): ExAC below 0.00001; gnomAD exomes 0.00001; TOPMed 0.00002.
gnomAD v4.1: 19 of 1,562,754 alleles (0.0012%); highest among the groups gnomAD compares: Admixed American, 0.0037%; no homozygotes.

Submissions (6):

PreventionGenetics, part of Exact Sciences
Classification: Uncertain significance for POLG-related condition. Last evaluated: 2024-10-28. Review status: criteria provided, single submitter. Criteria: ACMG Guidelines, 2015. Collection method: clinical testing. Allele origin: germline.
Comment: The POLG c.418C>T variant is predicted to result in the amino acid substitution p.Arg140Cys. To our knowledge, this variant has not been reported in the literature. This variant is reported in 0.012% of alleles in individuals of Ashkenazi Jewish descent in gnomAD. At this time, the clinical significance of this variant is uncertain due to the absence of conclusive functional and genetic evidence.

Labcorp Genetics (formerly Invitae), Labcorp
Classification: Uncertain significance for Progressive sclerosing poliodystrophy. Last evaluated: 2024-10-22. Review status: criteria provided, single submitter. Criteria: Invitae Variant Classification Sherloc (09022015). Collection method: clinical testing. Allele origin: germline.
Comment: This sequence change replaces arginine, which is basic and polar, with cysteine, which is neutral and slightly polar, at codon 140 of the POLG protein (p.Arg140Cys). The frequency data for this variant in the population databases is considered unreliable, as metrics indicate poor data quality at this position in the gnomAD database. This variant has not been reported in the literature in individuals affected with POLG-related conditions. ClinVar contains an entry for this variant (Variation ID: 206621). Invitae Evidence Modeling of protein sequence and biophysical properties (such as structural, functional, and spatial information, amino acid conservation, physicochemical variation, residue mobility, and thermodynamic stability) indicates that this missense variant is expected to disrupt POLG protein function with a positive predictive value of 95%. In summary, the available evidence is currently insufficient to determine the role of this variant in disease. Therefore, it has been classified as a Variant of Uncertain Significance.

Ambry Genetics
Classification: Uncertain significance for Inborn genetic diseases. Last evaluated: 2024-03-31. Review status: criteria provided, single submitter. Criteria: Ambry Variant Classification Scheme 2023. Collection method: clinical testing. Allele origin: germline.

Blueprint Genetics
Classification: Uncertain significance. Last evaluated: 2023-06-26. Review status: criteria provided, single submitter. Criteria: ACMG Guidelines, 2015. Collection method: clinical testing. Allele origin: germline.

GeneDx
Classification: Uncertain significance. Last evaluated: 2020-10-01. Review status: criteria provided, single submitter. Criteria: GeneDx Variant Classification Process June 2021. Collection method: clinical testing. Allele origin: germline. Affected: yes.
Comment: Not observed at a significant frequency in large population cohorts (Lek et al., 2016); In silico analysis supports that this missense variant has a deleterious effect on protein structure/function; Has not been previously published as pathogenic or benign to our knowledge

Eurofins Ntd Llc (ga)
Classification: Uncertain significance. Last evaluated: 2017-08-10. Review status: criteria provided, single submitter. Criteria: EGL Classification Definitions 2015. Collection method: clinical testing. Allele origin: germline. Observed: 1 variant allele, 1 heterozygote.